The following is an entry in ClinVar:

NM_000093.5(COL5A1):c.2939A>T (p.Gln980Leu)

Gene: COL5A1 (collagen type V alpha 1 chain; plus strand). Cytogenetic location: 9q34.3.
Variant type: single nucleotide variant.
Coding change: c.2939A>T on transcript NM_000093.5 (MANE Select); coding-DNA position 2939, A replaced by T.
Protein change: p.Gln980Leu; replaces glutamine 980 with leucine.
Molecular consequence: missense variant.
Genome position (GRCh38, 1-based): chr9:134,798,448, A>T. VCF-style: chr9-134798448-A-T. GRCh37 (hg19) VCF-style: chr9-137690294-A-T.
Other names: c.2939A>T, p.Gln980Leu (NM_001278074.1); short protein forms Q980L.
Identifiers: ClinVar variation 4746102 (VCV004746102.2).

ClinVar aggregate classification (germline): Uncertain significance. Review status: criteria provided, multiple submitters, no conflicts (2 of 4 stars). 2 submissions from 2 submitters: Uncertain significance (2). Last evaluated 2025-10-01.

Conditions:
Ehlers-Danlos syndrome, classic type, 1 (EDSCL1). Also called: EHLERS-DANLOS SYNDROME, GRAVIS TYPE; EHLERS-DANLOS SYNDROME, SEVERE CLASSIC TYPE; Ehlers-Danlos syndrome, type 1; EDS I; Ehlers-Danlos Syndrome, Classic Type, COL5A1-Related. Identifiers: MedGen C0268335, MONDO:0019567, OMIM 130000.

Submissions (2):

Labcorp Genetics (formerly Invitae), Labcorp
Classification: Uncertain significance for Ehlers-Danlos syndrome, classic type, 1. Last evaluated: 2025-10-01. Review status: criteria provided, single submitter. Criteria: Invitae Variant Classification Sherloc (09022015). Collection method: clinical testing. Allele origin: germline.
Comment: This sequence change replaces glutamine, which is neutral and polar, with leucine, which is neutral and non-polar, at codon 980 of the COL5A1 protein (p.Gln980Leu). This variant is not present in population databases (gnomAD no frequency). This variant has not been reported in the literature in individuals affected with COL5A1-related conditions. Invitae Evidence Modeling of protein sequence and biophysical properties (such as structural, functional, and spatial information, amino acid conservation, physicochemical variation, residue mobility, and thermodynamic stability) has been performed for this missense variant. However, the output from this modeling did not meet the statistical confidence thresholds required to predict the impact of this variant on COL5A1 protein function. In summary, the available evidence is currently insufficient to determine the role of this variant in disease. Therefore, it has been classified as a Variant of Uncertain Significance.

Blueprint Genetics
Classification: Uncertain significance. Last evaluated: 2024-10-22. Review status: criteria provided, single submitter. Criteria: ACMG Guidelines, 2015. Collection method: clinical testing. Allele origin: germline.